The following is an entry in ClinVar:

NM_001625.4(AK2):c.471C>G (p.Asn157Lys)

Gene: AK2 (adenylate kinase 2; minus strand). Cytogenetic location: 1p35.1.
Variant type: single nucleotide variant.
Coding change: c.471C>G on transcript NM_001625.4 (MANE Select); coding-DNA position 471, C replaced by G.
Protein change: p.Asn157Lys; replaces asparagine 157 with lysine.
Molecular consequence: missense variant. On other transcripts: non-coding transcript variant (1).
Genome position (GRCh38, 1-based): chr1:33,014,549, G>C on the plus strand (C>G on the coding strand, the complement: AK2 is on the minus strand). VCF-style: chr1-33014549-G-C. GRCh37 (hg19) VCF-style: chr1-33480150-G-C.
Other names: c.447C>G, p.Asn149Lys (NM_001199199.3); c.327C>G, p.Asn109Lys (NM_001319139.3, NM_001319140.2); c.471C>G, p.Asn157Lys (NM_001319141.3, NM_013411.5); c.345C>G, p.Asn115Lys (NM_001319142.3); c.376C>G, p.Pro126Ala (NM_001319143.2); short protein forms N109K, N157K, N115K, N149K, P126A.
Identifiers: ClinVar variation 654886 (VCV000654886.6), dbSNP rs146442876, ClinGen allele CA747112.

ClinVar aggregate classification (germline): Uncertain significance (1 of 4 stars; one submission).

Conditions:
Reticular dysgenesis. Also called: HEMATOPOIETIC HYPOPLASIA, GENERALIZED; ALEUKOCYTOSIS; CONGENITAL ALEUKIA; RETICULAR DYSGENESIA; SEVERE COMBINED IMMUNODEFICIENCY WITH LEUKOPENIA; DeVaal disease. Identifiers: Orphanet 33355, MedGen C0272167, MONDO:0009973, OMIM 267500.

Allele frequency attached by ClinVar (database versions not stated): TOPMed 0.00003; ESP Exome Variant Server 0.00015.

Submission:

Labcorp Genetics (formerly Invitae), Labcorp
Classification: Uncertain significance for Reticular dysgenesis. Last evaluated: 2021-09-01. Review status: criteria provided, single submitter. Criteria: Invitae Variant Classification Sherloc (09022015). Collection method: clinical testing. Allele origin: germline.
Comment: This sequence change replaces asparagine with lysine at codon 157 of the AK2 protein (p.Asn157Lys). The asparagine residue is moderately conserved and there is a moderate physicochemical difference between asparagine and lysine. This variant is present in population databases (rs146442876, ExAC 0.01%). This variant has not been reported in the literature in individuals affected with AK2-related conditions. Algorithms developed to predict the effect of missense changes on protein structure and function (SIFT, PolyPhen-2, Align-GVGD) all suggest that this variant is likely to be tolerated. In summary, the available evidence is currently insufficient to determine the role of this variant in disease. Therefore, it has been classified as a Variant of Uncertain Significance.